The following is an entry in ClinVar:

ClinVar aggregate classification (germline): Pathogenic (1 of 4 stars; one submission).

Conditions:
Osteogenesis imperfecta type I (OI1). Also called: OI, TYPE I; OSTEOGENESIS IMPERFECTA TARDA; OSTEOGENESIS IMPERFECTA WITH BLUE SCLERAE; Osteogenesis imperfecta type 1; Lobstein disease; Classic Non-deforming Osteogenesis Imperfecta with Blue Sclerae. Identifiers: Orphanet 216796, Orphanet 666, MedGen C0023931, MONDO:0008146, OMIM 166200. Disease mechanism: loss of function.

Submission:

Labcorp Genetics (formerly Invitae), Labcorp
Classification: Pathogenic for Osteogenesis imperfecta type I. Last evaluated: 2023-07-22. Review status: criteria provided, single submitter. Criteria: Invitae Variant Classification Sherloc (09022015). Collection method: clinical testing. Allele origin: germline.
Comment: ClinVar contains an entry for this variant (Variation ID: 1395352). This variant has not been reported in the literature in individuals affected with COL1A1-related conditions. This variant is not present in population databases (gnomAD no frequency). This sequence change creates a premature translational stop signal (p.Gly424Argfs*9) in the COL1A1 gene. It is expected to result in an absent or disrupted protein product. Loss-of-function variants in COL1A1 are known to be pathogenic (PMID: 7942841, 9295084, 9443882). For these reasons, this variant has been classified as Pathogenic.

Literature cited by the submitters: PubMed 7942841; PubMed 9295084; PubMed 9443882.

NM_000088.4(COL1A1):c.1269dup (p.Gly424fs)

Gene: COL1A1 (collagen type I alpha 1 chain; minus strand). Cytogenetic location: 17q21.33.
Variant type: Duplication.
Coding change: c.1269dup on transcript NM_000088.4 (MANE Select); coding-DNA position 1269, one base duplicated (C; older notation c.1269dupC).
Protein change: p.Gly424fs; shifts the reading frame from glycine 424.
Molecular consequence: frameshift variant.
Genome position (GRCh38, 1-based): chr17:50,195,262, G duplicated on the plus strand (C on the coding strand, the reverse complement: COL1A1 is on the minus strand); the first of 4 consecutive G bases (chr17:50,195,262-50,195,265); duplicating any one gives the same sequence. VCF-style (leftmost placement, unchanged base first): chr17-50195261-C-CG. GRCh37 (hg19) VCF-style: chr17-48272622-C-CG.
Other names: short protein forms G424fs.
Identifiers: ClinVar variation 1395352 (VCV001395352.6), dbSNP rs1114167374, ClinGen allele CA2573154196.